The following is an entry in ClinVar:

NM_004006.3(DMD):c.5530del (p.Arg1844fs)

Gene: DMD (dystrophin; minus strand). Cytogenetic location: Xp21.1.
Variant type: Deletion.
Coding change: c.5530del on transcript NM_004006.3 (MANE Select); coding-DNA position 5530, one base deleted (C; older notation c.5530delC).
Protein change: p.Arg1844fs; shifts the reading frame from arginine 1844.
Molecular consequence: frameshift variant.
Genome position (GRCh38, 1-based): chrX:32,345,999, G deleted on the plus strand (C on the coding strand, the reverse complement: DMD is on the minus strand). VCF-style (leftmost placement, unchanged base first): chrX-32345998-CG-C. GRCh37 (hg19) VCF-style: chrX-32364115-CG-C.
Other names: c.5506del, p.Arg1836fs (NM_000109.4); c.5518del, p.Arg1840fs (NM_004009.3); c.5161del, p.Arg1721fs (NM_004010.3); c.1507del, p.Arg503fs (NM_004011.4); c.1498del, p.Arg500fs (NM_004012.4); short protein forms R1721fs, R1836fs, R1840fs, R1844fs, R500fs, R503fs.
Identifiers: ClinVar variation 975989 (VCV000975989.1), dbSNP rs2097762566, ClinGen allele CA1139667371.

ClinVar aggregate classification (germline): Likely pathogenic (1 of 4 stars; one submission).

Conditions:
Duchenne muscular dystrophy (DMD). Also called: MUSCULAR DYSTROPHY, PSEUDOHYPERTROPHIC PROGRESSIVE, DUCHENNE TYPE; Duchenne Muscular Dystrophy (DMD). Identifiers: Orphanet 98896, MedGen C0013264, MONDO:0010679, OMIM 310200.

Submission:

Institute of Human Genetics, University of Leipzig Medical Center
Classification: Likely pathogenic for Duchenne muscular dystrophy. Last evaluated: 2019-07-08. Review status: criteria provided, single submitter. Criteria: ACMG Guidelines, 2015. Collection method: clinical testing. Allele origin: germline. Affected: yes. Observed: 1 variant allele.
Comment: This variant was identified as hemizygous